The following is an entry in ClinVar:

ClinVar aggregate classification (germline): Uncertain significance. Review status: criteria provided, multiple submitters, no conflicts (2 of 4 stars). 3 submissions from 3 submitters: Uncertain significance (3). Last evaluated 2025-03-03.

Conditions:
Familial adenomatous polyposis 1 (FAP1). Also called: FAMILIAL ADENOMATOUS POLYPOSIS 1, ATTENUATED; POLYPOSIS, ADENOMATOUS INTESTINAL. Identifiers: MedGen C2713442, MONDO:0021056, OMIM 175100. Disease mechanism: loss of function.
Hereditary cancer-predisposing syndrome. Also called: Neoplastic Syndromes, Hereditary; Tumor predisposition; Hereditary Cancer Syndrome; Hereditary neoplastic syndrome. Identifiers: Orphanet 140162, MedGen C0027672, MeSH D009386, MONDO:0015356.

gnomAD v4.1: 1 of 1,612,306 alleles (0.000062%); highest among the groups gnomAD compares: East Asian, 0.0022%; no homozygotes.

Submissions (3):

Labcorp Genetics (formerly Invitae), Labcorp
Classification: Uncertain significance for Familial adenomatous polyposis 1. Last evaluated: 2025-03-03. Review status: criteria provided, single submitter. Criteria: Invitae Variant Classification Sherloc (09022015). Collection method: clinical testing. Allele origin: germline.
Comment: This sequence change replaces glutamic acid, which is acidic and polar, with glycine, which is neutral and non-polar, at codon 74 of the APC protein (p.Glu74Gly). This variant is not present in population databases (gnomAD no frequency). This variant has not been reported in the literature in individuals affected with APC-related conditions. ClinVar contains an entry for this variant (Variation ID: 485134). An algorithm developed to predict the effect of missense changes on protein structure and function (PolyPhen-2) suggests that this variant is likely to be tolerated. In summary, the available evidence is currently insufficient to determine the role of this variant in disease. Therefore, it has been classified as a Variant of Uncertain Significance.

Molecular Pathology, Peter Maccallum Cancer Centre
Classification: Uncertain significance for Familial adenomatous polyposis 1. Last evaluated: 2025-01-20. Review status: criteria provided, single submitter. Criteria: ACMG Guidelines, 2015. Collection method: clinical testing. Allele origin: germline. Inheritance: Autosomal dominant inheritance.

Ambry Genetics
Classification: Uncertain significance for Hereditary cancer-predisposing syndrome. Last evaluated: 2024-10-07. Review status: criteria provided, single submitter. Criteria: Ambry Variant Classification Scheme 2023. Collection method: clinical testing. Allele origin: germline.
Comment: The p.E74G variant (also known as c.221A>G) is located in coding exon 3 of the APC gene. The glutamic acid at codon 74 is replaced by glycine, an amino acid with similar properties. This change occurs in the first base pair of coding exon 3. This amino acid position is highly conserved in available vertebrate species. In addition, in silico predictors for this gene do not accurately predict pathogenicity. Missense alterations in APC are not a common cause of disease (Spier I et al. Genet Med. 2024 Feb;26(2):100992). Based on the available evidence, the clinical significance of this variant remains unclear.

NM_000038.6(APC):c.221A>G (p.Glu74Gly)

Gene: APC (APC regulator of Wnt signaling pathway; plus strand). Cytogenetic location: 5q22.2.
Variant type: single nucleotide variant.
Coding change: c.221A>G on transcript NM_000038.6 (MANE Select); coding-DNA position 221, A replaced by G.
Protein change: p.Glu74Gly; replaces glutamic acid 74 with glycine.
Molecular consequence: missense variant. On other transcripts: 5 prime UTR variant (1).
Genome position (GRCh38, 1-based): chr5:112,767,189, A>G. VCF-style: chr5-112767189-A-G. GRCh37 (hg19) VCF-style: chr5-112102886-A-G.
Other names: c.221A>G, p.Glu74Gly (NM_001127510.3, NM_001354895.2, NM_001354896.2 and 2 more transcripts); c.251A>G, p.Glu84Gly (NM_001127511.3, NM_001354897.2, NM_001354902.2); c.146A>G, p.Glu49Gly (NM_001354898.2, NM_001354904.2); c.44A>G, p.Glu15Gly (NM_001354900.2, NM_001354901.2, NM_001354905.2); c.-815A>G (NM_001354906.2); short protein forms E74G, E84G, E49G, E15G.
Identifiers: ClinVar variation 485134 (VCV000485134.10), dbSNP rs773347338, ClinGen allele CA16021824.
Genomic context (GRCh38, chr5:112,767,189, plus strand): 5'-AGAATATTTTAGACTGCTTAAAGCAATTGTTGTATAAAAACTTGTTTCTATTTTATTTAG[A>G]GCTTAACTTAGATAGCAGTAATTTCCCTGGAGTAAAACTGCGGTCAAAAATGTCCCTCCG-3'
Protein context (NP_000029.2, residues 64-84): GQIDLLERLK[Glu74Gly]LNLDSSNFPG